The following is an entry in ClinVar:

NM_030787.4(CFHR5):c.557C>T (p.Ser186Leu)

Gene: CFHR5 (complement factor H related 5; plus strand). Cytogenetic location: 1q31.3.
Variant type: single nucleotide variant.
Coding change: c.557C>T on transcript NM_030787.4 (MANE Select); coding-DNA position 557, C replaced by T.
Protein change: p.Ser186Leu; replaces serine 186 with leucine.
Molecular consequence: missense variant.
Genome position (GRCh38, 1-based): chr1:196,994,206, C>T. VCF-style: chr1-196994206-C-T. GRCh37 (hg19) VCF-style: chr1-196963336-C-T.
Other names: p.Ser186Leu; short protein forms S186L.
Identifiers: ClinVar variation 4684032 (VCV004684032.1).

ClinVar aggregate classification (germline): Likely benign (1 of 4 stars; one submission).

gnomAD v4.1: 1 of 1,613,600 alleles (0.000062%); highest among the groups gnomAD compares: Non-Finnish European, 0.000085%; no homozygotes.

Submission:

Mayo Clinic Laboratories, Mayo Clinic
Classification: Likely benign. Last evaluated: 2025-01-27. Review status: criteria provided, single submitter. Criteria: ACMG Guidelines, 2015. Collection method: clinical testing. Allele origin: germline. Observed: 1 variant allele.
Comment: BP1, BP4, PM2_supporting